The following is an entry in ClinVar:

ClinVar aggregate classification (germline): Pathogenic (1 of 4 stars; one submission).

Conditions:
Neurofibromatosis, type 1 (NF1). Also called: NEUROFIBROMATOSIS, TYPE I, SOMATIC; Neurofibromatosis, type I; Peripheral type neurofibromatosis; VON RECKLINGHAUSEN DISEASE. Identifiers: Orphanet 636, MedGen C0027831, MONDO:0018975, OMIM 162200. Disease mechanism: loss of function.

Submission:

Labcorp Genetics (formerly Invitae), Labcorp
Classification: Pathogenic for Neurofibromatosis, type 1. Last evaluated: 2022-01-27. Review status: criteria provided, single submitter. Criteria: Invitae Variant Classification Sherloc (09022015). Collection method: clinical testing. Allele origin: germline.
Comment: For these reasons, this variant has been classified as Pathogenic. This variant has not been reported in the literature in individuals affected with NF1-related conditions. This variant is not present in population databases (gnomAD no frequency). This sequence change creates a premature translational stop signal (p.Ile2247Thrfs*4) in the NF1 gene. It is expected to result in an absent or disrupted protein product. Loss-of-function variants in NF1 are known to be pathogenic (PMID: 10712197, 23913538).

Literature cited by the submitters: PubMed 10712197; PubMed 23913538.

NM_001042492.3(NF1):c.6803_6804del (p.Ile2268fs)

Gene: NF1 (neurofibromin 1; plus strand). Cytogenetic location: 17q11.2.
Variant type: Deletion.
Coding change: c.6803_6804del on transcript NM_001042492.3 (MANE Select); coding-DNA positions 6803 to 6804, 2 bases deleted (TC; older notation c.6803_6804delTC).
Protein change: p.Ile2268fs; shifts the reading frame from isoleucine 2268.
Molecular consequence: frameshift variant.
Genome position (GRCh38, 1-based): chr17:31,338,123-31,338,124, TC deleted. VCF-style (leftmost placement, unchanged base first): chr17-31338122-ATC-A. GRCh37 (hg19) VCF-style: chr17-29665140-ATC-A.
Other names: c.6740_6741delTC, p.Ile2247Thrfs (NM_000267.4); short protein forms I2247fs, I2268fs.
Identifiers: ClinVar variation 2090483 (VCV002090483.4), dbSNP rs2508759771, ClinGen allele CA2580093142.